The following is an entry in ClinVar:

NM_001572.5(IRF7):c.492_503del (p.Gly165_Ala168del)

Gene: IRF7 (interferon regulatory factor 7; minus strand). Cytogenetic location: 11p15.5.
Variant type: Deletion.
Coding change: c.492_503del on transcript NM_001572.5 (MANE Select); coding-DNA positions 492 to 503, 12 bases deleted (TGGACTCCAAGC).
Protein change: p.Gly165_Ala168del.
Genome position (GRCh38, 1-based): chr11:614,350-614,361, GCTTGGAGTCCA deleted on the plus strand (TGGACTCCAAGC on the coding strand, the reverse complement: IRF7 is on the minus strand); deleting any 12 consecutive bases within chr11:614,350-614,363 gives the same sequence; the c. name uses the placement nearest the transcript's 3' end. VCF-style (leftmost placement, unchanged base first): chr11-614349-GGCTTGGAGTCCA-G. GRCh37 (hg19) VCF-style: chr11-614349-GGCTTGGAGTCCA-G.
Other names: c.492_503del, p.Gly165_Ala168del (NM_004029.4); c.531_542del, p.Gly178_Ala181del (NM_004031.4).
Identifiers: ClinVar variation 3668878 (VCV003668878.2).
Genomic context (GRCh38, chr11:614,349, plus strand): 5'-TTGCACTGCCTGGAGCAGGAGGTCCCCCTTGTCACCAGCTGGGGCAGGGAGGGGGCCTGG[GGCTTGGAGTCCA>G]GCATGTGTGTGTGCCAGGAATGGCCCTGGGGGCCCACCCTGCAGGGAAAAGTCAGGGTGA-3'

ClinVar aggregate classification (germline): Uncertain significance (1 of 4 stars; one submission).

Conditions:
Immunodeficiency 39 (IMD39). Identifiers: Orphanet 574918, MedGen C4225358, MONDO:0014597, OMIM 616345.

Submission:

Labcorp Genetics (formerly Invitae), Labcorp
Classification: Uncertain significance for Immunodeficiency 39. Last evaluated: 2024-05-23. Review status: criteria provided, single submitter. Criteria: Invitae Variant Classification Sherloc (09022015). Collection method: clinical testing. Allele origin: germline.
Comment: This variant, c.531_542del, results in the deletion of 4 amino acid(s) of the IRF7 protein (p.Gly178_Ala181del), but otherwise preserves the integrity of the reading frame. This variant is present in population databases (no rsID available, gnomAD 0.0009%). This variant has not been reported in the literature in individuals affected with IRF7-related conditions. Experimental studies and prediction algorithms are not available or were not evaluated, and the functional significance of this variant is currently unknown. In summary, the available evidence is currently insufficient to determine the role of this variant in disease. Therefore, it has been classified as a Variant of Uncertain Significance.